The following is an entry in ClinVar:

ClinVar aggregate classification (germline): Uncertain significance (1 of 4 stars; one submission).

Allele frequency attached by ClinVar (database versions not stated): gnomAD 0.00001.
gnomAD v4.1: 3 of 1,614,044 alleles (0.00019%); highest among the groups gnomAD compares: Non-Finnish European, 0.00025%; no homozygotes.

Submission:

Labcorp Genetics (formerly Invitae), Labcorp
Classification: Uncertain significance. Last evaluated: 2021-11-06. Review status: criteria provided, single submitter. Criteria: Invitae Variant Classification Sherloc (09022015). Collection method: clinical testing. Allele origin: germline.
Comment: In summary, the available evidence is currently insufficient to determine the role of this variant in disease. Therefore, it has been classified as a Variant of Uncertain Significance. Algorithms developed to predict the effect of missense changes on protein structure and function are either unavailable or do not agree on the potential impact of this missense change (SIFT: "Tolerated"; PolyPhen-2: "Not Available"; Align-GVGD: "Class C0"). This variant has not been reported in the literature in individuals affected with TRAPPC3-related conditions. This variant is not present in population databases (gnomAD no frequency). This sequence change replaces valine, which is neutral and non-polar, with leucine, which is neutral and non-polar, at codon 121 of the TRAPPC3 protein (p.Val121Leu).

NM_014408.5(TRAPPC3):c.337G>T (p.Val113Leu)

Gene: TRAPPC3 (trafficking protein particle complex subunit 3; minus strand). Cytogenetic location: 1p34.3.
Variant type: single nucleotide variant.
Coding change: c.337G>T on transcript NM_014408.5 (MANE Select); coding-DNA position 337, G replaced by T.
Protein change: p.Val113Leu; replaces valine 113 with leucine.
Molecular consequence: missense variant. On other transcripts: non-coding transcript variant (1).
Genome position (GRCh38, 1-based): chr1:36,137,882, C>A on the plus strand (G>T on the coding strand, the complement: TRAPPC3 is on the minus strand). VCF-style: chr1-36137882-C-A. GRCh37 (hg19) VCF-style: chr1-36603483-C-A.
Other names: c.361G>T, p.Val121Leu (NM_001270894.2); c.199G>T, p.Val67Leu (NM_001270895.2, NM_001270896.2); c.139G>T, p.Val47Leu (NM_001270897.2); short protein forms V121L, V67L, V113L, V47L.
Identifiers: ClinVar variation 1391704 (VCV001391704.6), dbSNP rs1644049073, ClinGen allele CA339373490.